The following is an entry in ClinVar:

ClinVar aggregate classification (germline): Uncertain significance. Review status: criteria provided, multiple submitters, no conflicts (2 of 4 stars). 2 submissions from 2 submitters: Uncertain significance (2). Last evaluated 2025-05-02.

Conditions:
Pancreatic adenocarcinoma. Identifiers: MedGen C0281361, MONDO:0006047, HP:0006725.

Submissions (2):

Ambry Genetics
Classification: Uncertain significance. Last evaluated: 2025-05-02. Review status: criteria provided, single submitter. Criteria: Ambry Variant Classification Scheme 2023. Collection method: clinical testing. Allele origin: germline.
Comment: The p.G62S variant (also known as c.184G>A), located in coding exon 1 of the PALLD gene, results from a G to A substitution at nucleotide position 184. The glycine at codon 62 is replaced by serine, an amino acid with similar properties. This amino acid position is conserved. In addition, this alteration is predicted to be tolerated by in silico analysis. Based on the available evidence, the clinical significance of this variant remains unclear.

Labcorp Genetics (formerly Invitae), Labcorp
Classification: Uncertain significance for Pancreatic adenocarcinoma. Last evaluated: 2023-04-09. Review status: criteria provided, single submitter. Criteria: Invitae Variant Classification Sherloc (09022015). Collection method: clinical testing. Allele origin: germline.
Comment: This variant has not been reported in the literature in individuals affected with PALLD-related conditions. In summary, the available evidence is currently insufficient to determine the role of this variant in disease. Therefore, it has been classified as a Variant of Uncertain Significance. An algorithm developed to predict the effect of missense changes on protein structure and function (PolyPhen-2) suggests that this variant is likely to be tolerated. This variant is not present in population databases (gnomAD no frequency). This sequence change replaces glycine, which is neutral and non-polar, with serine, which is neutral and polar, at codon 62 of the PALLD protein (p.Gly62Ser).

NM_001166108.2(PALLD):c.1965-12847G>A

Gene: PALLD (palladin, cytoskeletal associated protein; plus strand). Cytogenetic location: 4q32.3.
Variant type: single nucleotide variant.
Coding change: c.1965-12847G>A on transcript NM_001166108.2 (MANE Select); 12847 bases into the intron before coding-DNA position 1965, G replaced by A.
Molecular consequence: intron variant. On other transcripts: missense variant (1).
Genome position (GRCh38, 1-based): chr4:168,878,075, G>A. VCF-style: chr4-168878075-G-A. GRCh37 (hg19) VCF-style: chr4-169799226-G-A.
Other names: c.184G>A, p.Gly62Ser (NM_001166110.2); c.1965-12847G>A (NM_016081.4); c.819-12847G>A (NM_001166109.2); c.-157-12847G>A (NM_001367570.1, NM_001367568.1, NM_001367567.1 and 1 more transcripts); c.184G>A (NM_001166110.1); short protein forms G62S.
Identifiers: ClinVar variation 2907340 (VCV002907340.4), dbSNP rs2533436880, ClinGen allele CA358795423.